The following is an entry in ClinVar:

NM_000059.4(BRCA2):c.7234del (p.Thr2412fs)

Gene: BRCA2 (BRCA2 DNA repair associated; plus strand). Cytogenetic location: 13q13.1.
Variant type: Deletion.
Coding change: c.7234del on transcript NM_000059.4 (MANE Select); coding-DNA position 7234, one base deleted (A; older notation c.7234delA).
Protein change: p.Thr2412fs; shifts the reading frame from threonine 2412.
Molecular consequence: frameshift variant.
Genome position (GRCh38, 1-based): chr13:32,355,087, A deleted; the last of 4 consecutive A bases (chr13:32,355,084-32,355,087); deleting any one gives the same sequence. VCF-style (leftmost placement, unchanged base first): chr13-32355083-TA-T. GRCh37 (hg19) VCF-style: chr13-32929220-TA-T.
Other names: c.7234delA (NM_000059.3); short protein forms T2412fs.
Identifiers: ClinVar variation 431332 (VCV000431332.4), dbSNP rs1135401917, ClinGen allele CA645372931.

ClinVar aggregate classification (germline): Pathogenic. Review status: reviewed by expert panel (3 of 4 stars). 3 submissions from 3 submitters: Pathogenic (1). 2 of the submissions do not count toward it. Last evaluated 2017-12-15.

Conditions:
Breast-ovarian cancer, familial, susceptibility to, 2 (BROVCA2). Also called: BRCA2 Hereditary Breast and Ovarian Cancer. Identifiers: Orphanet 145, MedGen C2675520, MONDO:0012933, OMIM 612555. Disease mechanism: loss of function.
Hereditary breast ovarian cancer syndrome. Also called: BRCA1- and BRCA2-Associated Hereditary Breast and Ovarian Cancer; Hereditary breast and/or ovarian cancer syndrome; Hereditary breast and ovarian cancer; Hereditary breast and ovarian cancer syndrome; Hereditary breast and ovarian cancer syndrome (HBOC); Breast and ovarian cancer. Identifiers: Orphanet 145, MedGen C0677776, MeSH D061325, MONDO:0003582. Disease mechanism: loss of function.

Submissions (3):

Evidence-based Network for the Interpretation of Germline Mutant Alleles (ENIGMA)
Classification: Pathogenic for Breast-ovarian cancer, familial, susceptibility to, 2. Last evaluated: 2017-12-15. Review status: reviewed by expert panel. Criteria: ENIGMA BRCA1/2 Classification Criteria (2017-06-29). Collection method: curation. Allele origin: germline. Study: ENIGMA.
Comment: Variant allele predicted to encode a truncated non-functional protein.

Department of Medical Genetics, Oslo University Hospital
Classification: Pathogenic for Breast-ovarian cancer, familial, susceptibility to, 2. Last evaluated: 2015-07-01. Review status: criteria provided, single submitter. Criteria: ACMG Guidelines, 2015. Collection method: clinical testing. Allele origin: germline. Affected: yes. Observed: 4 variant alleles. Not counted in ClinVar's aggregate classification.

Research Molecular Genetics Laboratory, Women's College Hospital, University of Toronto
Classification: Pathogenic for Hereditary breast ovarian cancer syndrome. Last evaluated: 2014-01-31. Review status: no assertion criteria provided. Collection method: research. Allele origin: germline. Affected: yes. Study: The Canadian Open Genetics Repository (COGR). Not counted in ClinVar's aggregate classification.